The following is an entry in ClinVar:

ClinVar aggregate classification (germline): Uncertain significance (1 of 4 stars; one submission).

Conditions:
Neurofibromatosis, type 1 (NF1). Also called: Peripheral type neurofibromatosis; VON RECKLINGHAUSEN DISEASE; NEUROFIBROMATOSIS, TYPE I, SOMATIC; Neurofibromatosis, type I. Identifiers: Orphanet 636, MedGen C0027831, MONDO:0018975, OMIM 162200. Disease mechanism: loss of function.

Allele frequency attached by ClinVar (database versions not stated): gnomAD exomes below 0.00001.
gnomAD v4.1: 2 of 1,613,942 alleles (0.00012%); highest among the groups gnomAD compares: Non-Finnish European, 0.00017%; no homozygotes.

Submission:

Labcorp Genetics (formerly Invitae), Labcorp
Classification: Uncertain significance for Neurofibromatosis, type 1. Last evaluated: 2024-01-08. Review status: criteria provided, single submitter. Criteria: Invitae Variant Classification Sherloc (09022015). Collection method: clinical testing. Allele origin: germline.
Comment: This sequence change replaces asparagine, which is neutral and polar, with serine, which is neutral and polar, at codon 2645 of the NF1 protein (p.Asn2645Ser). This variant is not present in population databases (gnomAD no frequency). This variant has not been reported in the literature in individuals affected with NF1-related conditions. Advanced modeling of protein sequence and biophysical properties (such as structural, functional, and spatial information, amino acid conservation, physicochemical variation, residue mobility, and thermodynamic stability) performed at Invitae indicates that this missense variant is not expected to disrupt NF1 protein function with a negative predictive value of 95%. In summary, the available evidence is currently insufficient to determine the role of this variant in disease. Therefore, it has been classified as a Variant of Uncertain Significance.

NM_001042492.3(NF1):c.7997A>G (p.Asn2666Ser)

Gene: NF1 (neurofibromin 1; plus strand). Cytogenetic location: 17q11.2.
Variant type: single nucleotide variant.
Coding change: c.7997A>G on transcript NM_001042492.3 (MANE Select); coding-DNA position 7997, A replaced by G.
Protein change: p.Asn2666Ser; replaces asparagine 2666 with serine.
Molecular consequence: missense variant.
Genome position (GRCh38, 1-based): chr17:31,358,506, A>G. VCF-style: chr17-31358506-A-G. GRCh37 (hg19) VCF-style: chr17-29685524-A-G.
Other names: c.7934A>G, p.Asn2645Ser (NM_000267.4); short protein forms N2645S, N2666S.
Identifiers: ClinVar variation 2708240 (VCV002708240.3), dbSNP rs2151584854, ClinGen allele CA399203642.
Genomic context (GRCh38, chr17:31,358,506, plus strand): 5'-AAATGTTCCTCTGTTGACTTTTTTTTTCTTTTAGGCATAATTTGTTGGACTCTAAGATCA[A>G]CACCCTGTTATCATTGTGCCAAGATCCAAATTTGTTAAATCCAATCCATGGAATTGTGCA-3'
Protein context (NP_001035957.1, residues 2656-2676): VVHNLLDSKI[Asn2666Ser]TLLSLCQDPN